The following is an entry in ClinVar:

NM_012471.3(TRPC5):c.358C>A (p.Arg120=)

Gene: TRPC5 (transient receptor potential cation channel subfamily C member 5; minus strand). Cytogenetic location: Xq23.
Variant type: single nucleotide variant.
Coding change: c.358C>A on transcript NM_012471.3 (MANE Select); coding-DNA position 358, C replaced by A.
Protein change: p.Arg120=; no amino-acid change (arginine 120 retained).
Molecular consequence: synonymous variant.
Genome position (GRCh38, 1-based): chrX:111,952,063, G>T on the plus strand (C>A on the coding strand, the complement: TRPC5 is on the minus strand). VCF-style: chrX-111952063-G-T. GRCh37 (hg19) VCF-style: chrX-111195291-G-T.
Identifiers: ClinVar variation 3351752 (VCV003351752.1).

ClinVar aggregate classification (germline): Likely benign (0 of 4 stars; one submission).

Conditions:
TRPC5-related disorder. Also called: TRPC5-related condition.

gnomAD v4.1: 5 of 1,209,213 alleles (0.00041%); highest among the groups gnomAD compares: East Asian, 0.003%; no homozygotes.

Submission:

PreventionGenetics, part of Exact Sciences
Classification: Likely benign for TRPC5-related condition. Last evaluated: 2021-11-19. Review status: no assertion criteria provided. Collection method: clinical testing. Allele origin: germline.
Comment: This variant is classified as likely benign based on ACMG/AMP sequence variant interpretation guidelines (Richards et al. 2015 PMID: 25741868, with internal and published modifications).